The following is an entry in ClinVar:

ClinVar aggregate classification (germline): Uncertain significance (1 of 4 stars; one submission).

Allele frequency attached by ClinVar (database versions not stated): gnomAD exomes below 0.00001 and 0.00001; gnomAD 0.00001; TOPMed 0.00002.
gnomAD v4.1: 10 of 1,613,994 alleles (0.00062%); highest among the groups gnomAD compares: Non-Finnish European, 0.00085%; no homozygotes.

Submission:

GeneDx
Classification: Uncertain significance. Last evaluated: 2020-01-28. Review status: criteria provided, single submitter. Criteria: GeneDx Variant Classification Process June 2021. Collection method: clinical testing. Allele origin: germline. Affected: yes.
Comment: Not observed at a significant frequency in large population cohorts (Lek et al., 2016); In silico analysis, which includes protein predictors and evolutionary conservation, supports that this variant does not alter protein structure/function; Has not been previously published as pathogenic or benign to our knowledge

NM_013296.5(GPSM2):c.668T>C (p.Ile223Thr)

Gene: GPSM2 (G protein signaling modulator 2; plus strand). Cytogenetic location: 1p13.3.
Variant type: single nucleotide variant.
Coding change: c.668T>C on transcript NM_013296.5 (MANE Select); coding-DNA position 668, T replaced by C.
Protein change: p.Ile223Thr; replaces isoleucine 223 with threonine.
Molecular consequence: missense variant.
Genome position (GRCh38, 1-based): chr1:108,898,752, T>C. VCF-style: chr1-108898752-T-C. GRCh37 (hg19) VCF-style: chr1-109441374-T-C.
Other names: c.668T>C, p.Ile223Thr (NM_001321038.2, NM_001321039.3); short protein forms I223T.
Identifiers: ClinVar variation 1314463 (VCV001314463.2), dbSNP rs774459678, ClinGen allele CA28595498.